The following is an entry in ClinVar:

NM_000377.3(WAS):c.548G>A (p.Gly183Glu)

Gene: WAS (WASP actin nucleation promoting factor; plus strand). Cytogenetic location: Xp11.23.
Variant type: single nucleotide variant.
Coding change: c.548G>A on transcript NM_000377.3 (MANE Select); coding-DNA position 548, G replaced by A.
Protein change: p.Gly183Glu; replaces glycine 183 with glutamic acid.
Molecular consequence: missense variant.
Genome position (GRCh38, 1-based): chrX:48,686,123, G>A. VCF-style: chrX-48686123-G-A. GRCh37 (hg19) VCF-style: chrX-48544512-G-A.
Other names: short protein forms G183E.
Identifiers: ClinVar variation 1338181 (VCV001338181.4), dbSNP rs2147264317, ClinGen allele CA412869461.

ClinVar aggregate classification (germline): Uncertain significance (1 of 4 stars; one submission).

Allele frequency attached by ClinVar (database versions not stated): gnomAD exomes below 0.00001.
gnomAD v4.1: 2 of 1,212,245 alleles (0.00016%); highest among the groups gnomAD compares: South Asian, 0.0035%; no homozygotes.

Submission:

Genetic Services Laboratory, University of Chicago
Classification: Uncertain significance. Last evaluated: 2021-11-29. Review status: criteria provided, single submitter. Criteria: ACMG Guidelines, 2015. Collection method: clinical testing. Allele origin: germline. Affected: no.
Comment: This sequence change does not appear to have been previously described in individuals with WAS-related disorders and has also not been described in the population databases such as ExAC and gnomAD. The p.Gly183Glu change affects a moderately conserved amino acid residue located in a domain of the WAS protein that is not known to be functional. In-silico pathogenicity prediction tools (SIFT, PolyPhen2, Align GVGD, REVEL) provide contradictory results for the p.Gly183Glu substitution. Due to insufficient evidence and the lack of functional studies, the clinical significance of the p.Gly183Glu change remains unknown at this time.